The following is an entry in ClinVar:

NM_004360.5(CDH1):c.1551G>A (p.Met517Ile)

Gene: CDH1 (cadherin 1; plus strand). Cytogenetic location: 16q22.1.
Variant type: single nucleotide variant.
Coding change: c.1551G>A on transcript NM_004360.5 (MANE Select); coding-DNA position 1551, G replaced by A.
Protein change: p.Met517Ile; replaces methionine 517 with isoleucine.
Molecular consequence: missense variant. On other transcripts: initiator codon variant (1), 5 prime UTR variant (1).
Genome position (GRCh38, 1-based): chr16:68,815,745, G>A. VCF-style: chr16-68815745-G-A. GRCh37 (hg19) VCF-style: chr16-68849648-G-A.
Other names: c.1368G>A, p.Met456Ile (NM_001317184.2); c.3G>A, p.Met1Ile (NM_001317185.2); c.-269G>A (NM_001317186.2); short protein forms M456I, M517I, M1I.
Identifiers: ClinVar variation 3722835 (VCV003722835.2).
Genomic context (GRCh38, chr16:68,815,745, plus strand): 5'-GGACTTTGGCGTGGGCCAGGAAATCACATCCTACACTGCCCAGGAGCCAGACACATTTAT[G>A]GAACAGAAAATAACGTAAGTGTGAGGATTTTTCAACTGACTTGCAGCAACTGGTTATTTT-3'
Protein context (NP_004351.1, residues 507-527): SYTAQEPDTF[Met517Ile]EQKITYRIWR

ClinVar aggregate classification (germline): Uncertain significance (1 of 4 stars; one submission).

Conditions:
Hereditary diffuse gastric adenocarcinoma (HDGC). Also called: DIFFUSE GASTRIC AND LOBULAR BREAST CANCER SYNDROME. Identifiers: Orphanet 26106, MedGen C1708349, MONDO:0007648, OMIM 137215.

Submission:

Labcorp Genetics (formerly Invitae), Labcorp
Classification: Uncertain significance for Hereditary diffuse gastric adenocarcinoma. Last evaluated: 2024-10-13. Review status: criteria provided, single submitter. Criteria: Invitae Variant Classification Sherloc (09022015). Collection method: clinical testing. Allele origin: germline.
Comment: This sequence change replaces methionine, which is neutral and non-polar, with isoleucine, which is neutral and non-polar, at codon 517 of the CDH1 protein (p.Met517Ile). This variant is not present in population databases (gnomAD no frequency). This variant has not been reported in the literature in individuals affected with CDH1-related conditions. An algorithm developed to predict the effect of missense changes on protein structure and function (PolyPhen-2) suggests that this variant is likely to be tolerated. In summary, the available evidence is currently insufficient to determine the role of this variant in disease. Therefore, it has been classified as a Variant of Uncertain Significance.